The following is an entry in ClinVar:

NM_001130438.3(SPTAN1):c.77dup (p.Tyr26Ter)

Gene: SPTAN1 (spectrin alpha, non-erythrocytic 1; plus strand). Cytogenetic location: 9q34.11.
Variant type: Duplication.
Coding change: c.77dup on transcript NM_001130438.3 (MANE Select); coding-DNA position 77, one base duplicated (A; older notation c.77dupA).
Protein change: p.Tyr26Ter; replaces tyrosine 26 with a stop codon.
Molecular consequence: nonsense.
Genome position (GRCh38, 1-based): chr9:128,566,817, A duplicated. VCF-style (leftmost placement, unchanged base first): chr9-128566816-T-TA. GRCh37 (hg19) VCF-style: chr9-131329095-T-TA.
Other names: c.113dup, p.Tyr38Ter (NM_001438440.1, NM_001375312.2, NM_001375318.1); c.77dup, p.Tyr26Ter (NM_001438441.1, NM_001438442.1, NM_001438443.1 and 10 more transcripts); short protein forms Y38*, Y26*.
Identifiers: ClinVar variation 5007393 (VCV005007393.2).

ClinVar aggregate classification (germline): Likely pathogenic (1 of 4 stars; one submission).

Conditions:
Neuronopathy, distal hereditary motor, autosomal dominant 11. Also called: NEUROPATHY, DISTAL HEREDITARY MOTOR, 11. Identifiers: MedGen C5882697, MONDO:0957875, OMIM 620528.

Submission:

Juno Genomics, Hangzhou Juno Genomics, Inc
Classification: Likely pathogenic for Neuronopathy, distal hereditary motor, autosomal dominant 11. Review status: criteria provided, single submitter. Criteria: ACMG Guidelines, 2015. Collection method: clinical testing. Allele origin: germline.
Comment: Null variant in a gene where loss of function (LOF) is a known mechanism of disease.;Absent from controls (or at extremely low frequency if recessive) in Genome Aggregation Database.